The following is an entry in ClinVar:

NC_000016.9:g.(?_2124191)_(2143097_?)dup

Genes: MIR1225 (microRNA 1225; minus strand), PKD1 (polycystin 1, transient receptor potential channel interacting; minus strand), TSC2 (TSC complex subunit 2; plus strand). Cytogenetic location: 16p13.3.
Variant type: Duplication.
Identifiers: ClinVar variation 2423300 (VCV002423300.4).

ClinVar aggregate classification (germline): Uncertain significance (1 of 4 stars; one submission).

Conditions:
Tuberous sclerosis 2 (TSC2). Identifiers: Orphanet 805, MedGen C1860707, MONDO:0013199, OMIM 613254.

Submission:

Labcorp Genetics (formerly Invitae), Labcorp
Classification: Uncertain significance for Tuberous sclerosis 2. Last evaluated: 2022-09-06. Review status: criteria provided, single submitter. Criteria: Invitae Variant Classification Sherloc (09022015). Collection method: clinical testing. Allele origin: germline.
Comment: In summary, the available evidence is currently insufficient to determine the role of this variant in disease. Therefore, it has been classified as a Variant of Uncertain Significance. Experimental studies and prediction algorithms are not available or were not evaluated, and the functional significance of this variant is currently unknown. This variant has not been reported in the literature in individuals affected with TSC2-related conditions. This variant results in a copy number gain of the genomic region encompassing exon(s) 22-42 of the TSC2 gene. This region includes the termination codon of the gene. This copy number gain extends beyond the assayed region for this gene and therefore may encompass additional genes. As the precise location of this event is unknown, it may be in tandem or it may be located elsewhere in the genome.